The following is an entry in ClinVar:

NM_017780.4(CHD7):c.2662A>T (p.Met888Leu)

Gene: CHD7 (chromodomain helicase DNA binding protein 7; plus strand). Cytogenetic location: 8q12.2.
Variant type: single nucleotide variant.
Coding change: c.2662A>T on transcript NM_017780.4 (MANE Select); coding-DNA position 2662, A replaced by T.
Protein change: p.Met888Leu; replaces methionine 888 with leucine.
Molecular consequence: missense variant. On other transcripts: intron variant (1).
Genome position (GRCh38, 1-based): chr8:60,820,055, A>T. VCF-style: chr8-60820055-A-T. GRCh37 (hg19) VCF-style: chr8-61732614-A-T.
Other names: c.1716+39005A>T (NM_001316690.1); short protein forms M888L.
Identifiers: ClinVar variation 4278650 (VCV004278650.1).

ClinVar aggregate classification (germline): Uncertain significance (1 of 4 stars; one submission).

Submission:

GeneDx
Classification: Uncertain significance. Last evaluated: 2025-04-01. Review status: criteria provided, single submitter. Criteria: GeneDx Variant Classification Process June 2021. Collection method: clinical testing. Allele origin: germline. Affected: yes.
Comment: Not observed at significant frequency in large population cohorts (gnomAD); In silico analysis indicates that this missense variant does not alter protein structure/function; Has not been previously published as pathogenic or benign to our knowledge